The following is an entry in ClinVar:

ClinVar aggregate classification (germline): Uncertain significance (1 of 4 stars; one submission).

Submission:

Women's Health and Genetics/Laboratory Corporation of America, LabCorp
Classification: Uncertain significance. Last evaluated: 2026-04-27. Review status: criteria provided, single submitter. Criteria: LabCorp Variant Classification Summary - May 2015. Collection method: clinical testing. Allele origin: germline.
Comment: Variant summary: ABHD12 c.130G>C (p.Gly44Arg) results in a non-conservative amino acid change in the encoded protein sequence. Algorithms developed to predict the effect of missense changes on protein structure and function are either unavailable or do not agree on the potential impact of this missense change. The variant was absent in 89482 control chromosomes. The available data on variant occurrences in the general population are insufficient to allow any conclusion about variant significance. To our knowledge, no occurrence of c.130G>C in individuals affected with ABHD12-related conditions and no experimental evidence demonstrating its impact on protein function have been reported. No submitters have cited clinical-significance assessments for this variant to ClinVar. Based on the evidence outlined above, the variant was classified as uncertain significance.

NM_001042472.3(ABHD12):c.130G>C (p.Gly44Arg)

Genes: ABHD12 (abhydrolase domain containing 12, lysophospholipase; minus strand), LOC130065586 (ATAC-STARR-seq lymphoblastoid silent region 12752; plus strand). Cytogenetic location: 20p11.21.
Variant type: single nucleotide variant.
Coding change: c.130G>C on transcript NM_001042472.3 (MANE Select); coding-DNA position 130, G replaced by C.
Protein change: p.Gly44Arg; replaces glycine 44 with arginine.
Molecular consequence: missense variant.
Genome position (GRCh38, 1-based): chr20:25,390,574, C>G on the plus strand (G>C on the coding strand, the complement: ABHD12 is on the minus strand). VCF-style: chr20-25390574-C-G. GRCh37 (hg19) VCF-style: chr20-25371210-C-G.
Other names: c.130G>C, p.Gly44Arg (NM_015600.5); short protein forms G44R.
Identifiers: ClinVar variation 4849021 (VCV004849021.1).